The following is an entry in ClinVar:

ClinVar aggregate classification (germline): Uncertain significance (1 of 4 stars; one submission).

Submission:

Labcorp Genetics (formerly Invitae), Labcorp
Classification: Uncertain significance. Last evaluated: 2024-05-14. Review status: criteria provided, single submitter. Criteria: Invitae Variant Classification Sherloc (09022015). Collection method: clinical testing. Allele origin: germline.
Comment: This variant, c.79_87del, results in the deletion of 3 amino acid(s) of the PTHLH protein (p.Val27_Gly29del), but otherwise preserves the integrity of the reading frame. This variant is not present in population databases (gnomAD no frequency). This variant has not been reported in the literature in individuals affected with PTHLH-related conditions. Experimental studies and prediction algorithms are not available or were not evaluated, and the functional significance of this variant is currently unknown. In summary, the available evidence is currently insufficient to determine the role of this variant in disease. Therefore, it has been classified as a Variant of Uncertain Significance.

NM_198965.2(PTHLH):c.79_87del (p.Val27_Gly29del)

Gene: PTHLH (parathyroid hormone like hormone; minus strand). Cytogenetic location: 12p11.22.
Variant type: Deletion.
Coding change: c.79_87del on transcript NM_198965.2 (MANE Select); coding-DNA positions 79 to 87, 9 bases deleted (GTGGAGGGT; older notation c.79_87delGTGGAGGGT).
Protein change: p.Val27_Gly29del.
Genome position (GRCh38, 1-based): chr12:27,969,408-27,969,416, ACCCTCCAC deleted on the plus strand (GTGGAGGGT on the coding strand, the reverse complement: PTHLH is on the minus strand). VCF-style (leftmost placement, unchanged base first): chr12-27969407-GACCCTCCAC-G. GRCh37 (hg19) VCF-style: chr12-28122340-GACCCTCCAC-G.
Other names: c.79_87del, p.Val27_Gly29del (NM_198966.2, NM_002820.3, NM_198964.2).
Identifiers: ClinVar variation 3653404 (VCV003653404.2).
Genomic context (GRCh38, chr12:27,969,407, plus strand): 5'-CCCCTGGCCTCCCCAACCCGGCGCCCTGGGGAGGATGGGGCACTTACAGGCGGCGGCTGA[GACCCTCCAC>G]CGAGCGCCCGCAGGAGGGCACCGCGTAGCTCAGCAGGAACACCGCGACGCTCCACTGCTG-3'